The following is an entry in ClinVar:

ClinVar aggregate classification (germline): Uncertain significance (1 of 4 stars; one submission).

Allele frequency attached by ClinVar (database versions not stated): ESP Exome Variant Server 0.00008.
gnomAD v4.1: 60 of 1,598,814 alleles (0.0038%); highest among the groups gnomAD compares: South Asian, 0.015%; no homozygotes.

Submission:

Labcorp Genetics (formerly Invitae), Labcorp
Classification: Uncertain significance. Last evaluated: 2024-05-28. Review status: criteria provided, single submitter. Criteria: Invitae Variant Classification Sherloc (09022015). Collection method: clinical testing. Allele origin: germline.
Comment: This sequence change replaces arginine, which is basic and polar, with histidine, which is basic and polar, at codon 1636 of the MYH14 protein (p.Arg1636His). The frequency data for this variant in the population databases is considered unreliable, as metrics indicate poor data quality at this position in the gnomAD database. This variant has not been reported in the literature in individuals affected with MYH14-related conditions. Advanced modeling of protein sequence and biophysical properties (such as structural, functional, and spatial information, amino acid conservation, physicochemical variation, residue mobility, and thermodynamic stability) performed at Invitae indicates that this missense variant is expected to disrupt MYH14 protein function with a positive predictive value of 80%. In summary, the available evidence is currently insufficient to determine the role of this variant in disease. Therefore, it has been classified as a Variant of Uncertain Significance.

NM_001145809.2(MYH14):c.5030G>A (p.Arg1677His)

Gene: MYH14 (myosin heavy chain 14; plus strand). Cytogenetic location: 19q13.33.
Variant type: single nucleotide variant.
Coding change: c.5030G>A on transcript NM_001145809.2 (MANE Select); coding-DNA position 5030, G replaced by A.
Protein change: p.Arg1677His; replaces arginine 1677 with histidine.
Molecular consequence: missense variant.
Genome position (GRCh38, 1-based): chr19:50,290,951, G>A. VCF-style: chr19-50290951-G-A. GRCh37 (hg19) VCF-style: chr19-50794208-G-A.
Other names: c.4931G>A, p.Arg1644His (NM_001077186.2); c.4907G>A, p.Arg1636His (NM_024729.4); short protein forms R1644H, R1636H, R1677H.
Identifiers: ClinVar variation 2722028 (VCV002722028.3), dbSNP rs377399732, ClinGen allele CA9593671.
Genomic context (GRCh38, chr19:50,290,951, plus strand): 5'-GAGATGCAGAGGTGGAGCGGGATGAGGAGCGGAAGCAGCGCACTCTGGCCGTGGCTGCCC[G>A]CAAGAAGCTGGAGGGAGAGCTGGAGGAGCTGAAGGCTCAGATGGCCTCTGCCGGCCAGGG-3'
Protein context (NP_001139281.1, residues 1667-1687): RKQRTLAVAA[Arg1677His]KKLEGELEEL